The following is an entry in ClinVar:

NM_000179.3(MSH6):c.3198T>A (p.Tyr1066Ter)

Gene: MSH6 (mutS homolog 6; plus strand). Cytogenetic location: 2p16.3.
Variant type: single nucleotide variant.
Coding change: c.3198T>A on transcript NM_000179.3 (MANE Select); coding-DNA position 3198, T replaced by A.
Protein change: p.Tyr1066Ter; replaces tyrosine 1066 with a stop codon.
Molecular consequence: nonsense.
Genome position (GRCh38, 1-based): chr2:47,803,445, T>A. VCF-style: chr2-47803445-T-A. GRCh37 (hg19) VCF-style: chr2-48030584-T-A.
Other names: c.2808T>A, p.Tyr936Ter (NM_001281492.2); c.2292T>A, p.Tyr764Ter (NM_001281493.2, NM_001281494.2); short protein forms Y1066*, Y764*, Y936*.
Identifiers: ClinVar variation 1458138 (VCV001458138.6), dbSNP rs199643502, ClinGen allele CA346757861.

ClinVar aggregate classification (germline): Pathogenic (1 of 4 stars; one submission).

Conditions:
Hereditary nonpolyposis colorectal neoplasms. Identifiers: MedGen C0009405, MeSH D003123.

Submission:

Labcorp Genetics (formerly Invitae), Labcorp
Classification: Pathogenic for Hereditary nonpolyposis colorectal neoplasms. Last evaluated: 2022-04-21. Review status: criteria provided, single submitter. Criteria: Invitae Variant Classification Sherloc (09022015). Collection method: clinical testing. Allele origin: germline.
Comment: This variant has not been reported in the literature in individuals affected with MSH6-related conditions. This sequence change creates a premature translational stop signal (p.Tyr1066*) in the MSH6 gene. It is expected to result in an absent or disrupted protein product. Loss-of-function variants in MSH6 are known to be pathogenic (PMID: 18269114, 24362816). This variant is not present in population databases (gnomAD no frequency). For these reasons, this variant has been classified as Pathogenic.

Literature cited by the submitters: PubMed 18269114; PubMed 24362816.